The following is an entry in ClinVar:

ClinVar aggregate classification (germline): Uncertain significance. Review status: criteria provided, multiple submitters, no conflicts (2 of 4 stars). 2 submissions from 2 submitters: Uncertain significance (2). Last evaluated 2024-08-09.

Conditions:
Hereditary cancer-predisposing syndrome. Also called: Neoplastic Syndromes, Hereditary; Hereditary Cancer Syndrome; Hereditary neoplastic syndrome; Tumor predisposition. Identifiers: Orphanet 140162, MedGen C0027672, MeSH D009386, MONDO:0015356.

Submissions (2):

Ambry Genetics
Classification: Uncertain significance for Hereditary cancer-predisposing syndrome. Last evaluated: 2024-08-09. Review status: criteria provided, single submitter. Criteria: Ambry Variant Classification Scheme 2023. Collection method: clinical testing. Allele origin: germline.
Comment: The p.Q215R variant (also known as c.644A>G), located in coding exon 5 of the RAD50 gene, results from an A to G substitution at nucleotide position 644. The glutamine at codon 215 is replaced by arginine, an amino acid with highly similar properties. This amino acid position is conserved. In addition, this alteration is predicted to be tolerated by in silico analysis. Based on the available evidence, the clinical significance of this variant remains unclear.

Labcorp Genetics (formerly Invitae), Labcorp
Classification: Uncertain significance for Hereditary cancer-predisposing syndrome. Last evaluated: 2023-03-07. Review status: criteria provided, single submitter. Criteria: Invitae Variant Classification Sherloc (09022015). Collection method: clinical testing. Allele origin: germline.
Comment: In summary, the available evidence is currently insufficient to determine the role of this variant in disease. Therefore, it has been classified as a Variant of Uncertain Significance. Advanced modeling of protein sequence and biophysical properties (such as structural, functional, and spatial information, amino acid conservation, physicochemical variation, residue mobility, and thermodynamic stability) has been performed at Invitae for this missense variant, however the output from this modeling did not meet the statistical confidence thresholds required to predict the impact of this variant on RAD50 protein function. This variant has not been reported in the literature in individuals affected with RAD50-related conditions. This variant is not present in population databases (gnomAD no frequency). This sequence change replaces glutamine, which is neutral and polar, with arginine, which is basic and polar, at codon 215 of the RAD50 protein (p.Gln215Arg).

NM_005732.4(RAD50):c.644A>G (p.Gln215Arg)

Gene: RAD50 (RAD50 double strand break repair protein; plus strand). Cytogenetic location: 5q31.1.
Variant type: single nucleotide variant.
Coding change: c.644A>G on transcript NM_005732.4 (MANE Select); coding-DNA position 644, A replaced by G.
Protein change: p.Gln215Arg; replaces glutamine 215 with arginine.
Molecular consequence: missense variant.
Genome position (GRCh38, 1-based): chr5:132,579,954, A>G. VCF-style: chr5-132579954-A-G. GRCh37 (hg19) VCF-style: chr5-131915646-A-G.
Other names: c.644A>G (NM_005732.3); short protein forms Q215R.
Identifiers: ClinVar variation 2843526 (VCV002843526.4), dbSNP rs2479617406, ClinGen allele CA360936123.